The following is an entry in ClinVar:

NM_173630.4(RTTN):c.6126G>A (p.Ser2042=)

Gene: RTTN (rotatin; minus strand). Cytogenetic location: 18q22.2.
Variant type: single nucleotide variant.
Coding change: c.6126G>A on transcript NM_173630.4 (MANE Select); coding-DNA position 6126, G replaced by A.
Protein change: p.Ser2042=; no amino-acid change (serine 2042 retained).
Molecular consequence: synonymous variant.
Genome position (GRCh38, 1-based): chr18:70,020,642, C>T on the plus strand (G>A on the coding strand, the complement: RTTN is on the minus strand). VCF-style: chr18-70020642-C-T. GRCh37 (hg19) VCF-style: chr18-67687878-C-T.
Other names: c.3390G>A, p.Ser1130= (NM_001318520.2).
Identifiers: ClinVar variation 3707496 (VCV003707496.9).

ClinVar aggregate classification (germline): Likely benign. Review status: criteria provided, multiple submitters, no conflicts (2 of 4 stars). 2 submissions from 2 submitters: Likely benign (2). Last evaluated 2025-12-16.

gnomAD v4.1: 48 of 1,613,718 alleles (0.003%); highest among the groups gnomAD compares: Middle Eastern, 0.033%; no homozygotes.

Submissions (2):

Labcorp Genetics (formerly Invitae), Labcorp
Classification: Likely benign. Last evaluated: 2025-12-16. Review status: criteria provided, single submitter. Criteria: Invitae Variant Classification Sherloc (09022015). Collection method: clinical testing. Allele origin: germline.

CeGaT Center for Human Genetics Tuebingen
Classification: Likely benign. Last evaluated: 2025-09-01. Review status: criteria provided, single submitter. Criteria: CeGaT Center For Human Genetics Tuebingen Variant Classification Criteria Version 2. Collection method: clinical testing. Allele origin: germline. Affected: yes. Observed: 1 variant allele.
Comment: RTTN: BP4, BP7